The following is an entry in ClinVar:

ClinVar aggregate classification (germline): Likely pathogenic (1 of 4 stars; one submission).

Submission:

GeneDx
Classification: Likely pathogenic. Last evaluated: 2017-08-11. Review status: criteria provided, single submitter. Criteria: GeneDx Variant Classification (06012015). Collection method: clinical testing. Allele origin: germline. Affected: yes.
Comment: The Q2290X variant in the EP300 gene has not been reported previously as a pathogenic variant nor as a benign variant, to our knowledge. This variant is predicted to cause loss of normal protein function through protein truncation. The Q2290X variant is not observed in large population cohorts (Lek et al., 2016; 1000 Genomes Consortium et al., 2015; Exome Variant Server). We interpret Q2290X as a likely pathogenic variant.

NM_001429.4(EP300):c.6868C>T (p.Gln2290Ter)

Gene: EP300 (E1A binding protein p300; plus strand). Cytogenetic location: 22q13.2.
Variant type: single nucleotide variant.
Coding change: c.6868C>T on transcript NM_001429.4 (MANE Select); coding-DNA position 6868, C replaced by T.
Protein change: p.Gln2290Ter; replaces glutamine 2290 with a stop codon.
Molecular consequence: nonsense.
Genome position (GRCh38, 1-based): chr22:41,178,579, C>T. VCF-style: chr22-41178579-C-T. GRCh37 (hg19) VCF-style: chr22-41574583-C-T.
Other names: c.6790C>T, p.Gln2264Ter (NM_001362843.2); short protein forms Q2290*, Q2264*.
Identifiers: ClinVar variation 451064 (VCV000451064.2), dbSNP rs1555912362, ClinGen allele CA411682925.
Genomic context (GRCh38, chr22:41,178,579, plus strand): 5'-GGGTCCCCTGTTCAGCCCAACCCCATGAGCCCCCAGCAGCATATGCTCCCAAATCAGGCC[C>T]AGTCCCCACACCTACAAGGCCAGCAGATCCCTAATTCTCTCTCCAATCAAGTGCGCTCTC-3'